The following is an entry in ClinVar:

ClinVar aggregate classification (germline): Uncertain significance (1 of 4 stars; one submission).

Submission:

Labcorp Genetics (formerly Invitae), Labcorp
Classification: Uncertain significance. Last evaluated: 2025-06-24. Review status: criteria provided, single submitter. Criteria: Invitae Variant Classification Sherloc (09022015). Collection method: clinical testing. Allele origin: germline.
Comment: This sequence change replaces histidine, which is basic and polar, with arginine, which is basic and polar, at codon 1211 of the PCDH15 protein (p.His1211Arg). This variant is not present in population databases (gnomAD no frequency). This variant has not been reported in the literature in individuals affected with PCDH15-related conditions. Invitae Evidence Modeling of protein sequence and biophysical properties (such as structural, functional, and spatial information, amino acid conservation, physicochemical variation, residue mobility, and thermodynamic stability) indicates that this missense variant is not expected to disrupt PCDH15 protein function with a negative predictive value of 95%. In summary, the available evidence is currently insufficient to determine the role of this variant in disease. Therefore, it has been classified as a Variant of Uncertain Significance.

NM_001384140.1(PCDH15):c.3632A>G (p.His1211Arg)

Gene: PCDH15 (protocadherin related 15; minus strand). Cytogenetic location: 10q21.1.
Variant type: single nucleotide variant.
Coding change: c.3632A>G on transcript NM_001384140.1 (MANE Select); coding-DNA position 3632, A replaced by G.
Protein change: p.His1211Arg; replaces histidine 1211 with arginine.
Molecular consequence: missense variant.
Genome position (GRCh38, 1-based): chr10:53,866,727, T>C on the plus strand (A>G on the coding strand, the complement: PCDH15 is on the minus strand). VCF-style: chr10-53866727-T-C. GRCh37 (hg19) VCF-style: chr10-55626487-T-C.
Other names: c.3647A>G, p.His1216Arg (NM_001142763.2, NM_001142771.2); c.3632A>G, p.His1211Arg (NM_001142764.2, NM_001142766.2, NM_001142770.3 and 4 more transcripts); c.3419A>G, p.His1140Arg (NM_001142765.2); c.3521A>G, p.His1174Arg (NM_001142767.2); c.3566A>G, p.His1189Arg (NM_001142768.2, NM_001142773.2, NM_001354404.2); c.3668A>G, p.His1223Arg (NM_001142769.4); c.3653A>G, p.His1218Arg (NM_001354411.2); short protein forms H1174R, H1189R, H1223R, H1211R, H1218R, H1216R, H1140R.
Identifiers: ClinVar variation 4771637 (VCV004771637.1).